The following is an entry in ClinVar:

NM_001690.4(ATP6V1A):c.435T>A (p.Ser145Arg)

Gene: ATP6V1A (ATPase H+ transporting V1 subunit A; plus strand). Cytogenetic location: 3q13.31.
Variant type: single nucleotide variant.
Coding change: c.435T>A on transcript NM_001690.4 (MANE Select); coding-DNA position 435, T replaced by A.
Protein change: p.Ser145Arg; replaces serine 145 with arginine.
Molecular consequence: missense variant.
Genome position (GRCh38, 1-based): chr3:113,784,704, T>A. VCF-style: chr3-113784704-T-A. GRCh37 (hg19) VCF-style: chr3-113503551-T-A.
Other names: short protein forms S145R.
Identifiers: ClinVar variation 1368971 (VCV001368971.7), dbSNP rs1286320220, ClinGen allele CA354009150.

ClinVar aggregate classification (germline): Uncertain significance. Review status: criteria provided, multiple submitters, no conflicts (2 of 4 stars). 2 submissions from 2 submitters: Uncertain significance (2). Last evaluated 2025-03-31.

Allele frequency attached by ClinVar (database versions not stated): gnomAD exomes below 0.00001; TOPMed below 0.00001; gnomAD 0.00001.

Submissions (2):

Women's Health and Genetics/Laboratory Corporation of America, LabCorp
Classification: Uncertain significance. Last evaluated: 2025-03-31. Review status: criteria provided, single submitter. Criteria: LabCorp Variant Classification Summary - May 2015. Collection method: clinical testing. Allele origin: germline.
Comment: Variant summary: ATP6V1A c.435T>A (p.Ser145Arg) results in a non-conservative amino acid change in the encoded protein sequence. Four of five in-silico tools predict a damaging effect of the variant on protein function. The variant was absent in 251240 control chromosomes. The available data on variant occurrences in the general population are insufficient to allow any conclusion about variant significance. To our knowledge, no occurrence of c.435T>A in individuals affected with Epileptic Encephalopathy, Infantile Or Early Childhood 3 and no experimental evidence demonstrating its impact on protein function have been reported. ClinVar contains an entry for this variant (Variation ID: 1368971). Based on the evidence outlined above, the variant was classified as uncertain significance.

Labcorp Genetics (formerly Invitae), Labcorp
Classification: Uncertain significance. Last evaluated: 2021-08-23. Review status: criteria provided, single submitter. Criteria: Invitae Variant Classification Sherloc (09022015). Collection method: clinical testing. Allele origin: germline.
Comment: This sequence change replaces serine with arginine at codon 145 of the ATP6V1A protein (p.Ser145Arg). The serine residue is moderately conserved and there is a moderate physicochemical difference between serine and arginine. This variant is not present in population databases (ExAC no frequency). This variant has not been reported in the literature in individuals affected with ATP6V1A-related conditions. Algorithms developed to predict the effect of missense changes on protein structure and function (SIFT, PolyPhen-2, Align-GVGD) all suggest that this variant is likely to be tolerated. In summary, the available evidence is currently insufficient to determine the role of this variant in disease. Therefore, it has been classified as a Variant of Uncertain Significance.